The following is an entry in ClinVar:

ClinVar aggregate classification (germline): Uncertain significance (1 of 4 stars; one submission).

Submission:

GeneDx
Classification: Uncertain significance. Last evaluated: 2019-11-08. Review status: criteria provided, single submitter. Criteria: GeneDx Variant Classification Process June 2021. Collection method: clinical testing. Allele origin: germline. Affected: yes.
Comment: Not observed in large population cohorts (Lek et al., 2016); The majority of missense variants in this gene are considered pathogenic (Stenson et al., 2014); In silico analysis, which includes protein predictors and evolutionary conservation, supports that this variant does not alter protein structure/function; Has not been previously published as pathogenic or benign to our knowledge

NM_005476.7(GNE):c.2083G>T (p.Asp695Tyr)

Gene: GNE (glucosamine (UDP-N-acetyl)-2-epimerase/N-acetylmannosamine kinase; minus strand). Cytogenetic location: 9p13.3.
Variant type: single nucleotide variant.
Coding change: c.2083G>T on transcript NM_005476.7 (MANE Select); coding-DNA position 2083, G replaced by T.
Protein change: p.Asp695Tyr; replaces aspartic acid 695 with tyrosine.
Molecular consequence: missense variant.
Genome position (GRCh38, 1-based): chr9:36,217,451, C>A on the plus strand (G>T on the coding strand, the complement: GNE is on the minus strand). VCF-style: chr9-36217451-C-A. GRCh37 (hg19) VCF-style: chr9-36217448-C-A.
Other names: c.2176G>T, p.Asp726Tyr (NM_001128227.3); c.1861G>T, p.Asp621Tyr (NM_001190383.3); c.1753G>T, p.Asp585Tyr (NM_001190384.3); c.1906G>T, p.Asp636Tyr (NM_001190388.2, NM_001374798.1); c.1930G>T, p.Asp644Tyr (NM_001374797.1); short protein forms D585Y, D621Y, D636Y, D644Y, D695Y, D726Y.
Identifiers: ClinVar variation 1309992 (VCV001309992.2), dbSNP rs2132992493, ClinGen allele CA373424387.